The following is an entry in ClinVar:

ClinVar aggregate classification (germline): Pathogenic (1 of 4 stars; one submission).

Submission:

Labcorp Genetics (formerly Invitae), Labcorp
Classification: Pathogenic. Last evaluated: 2025-04-03. Review status: criteria provided, single submitter. Criteria: Invitae Variant Classification Sherloc (09022015). Collection method: clinical testing. Allele origin: germline.
Comment: This sequence change creates a premature translational stop signal (p.Met2630Valfs*15) in the KMT2A gene. It is expected to result in an absent or disrupted protein product. Loss-of-function variants in KMT2A are known to be pathogenic (PMID: 22795537, 25810209, 29574747). This variant is not present in population databases (gnomAD no frequency). This variant has not been reported in the literature in individuals affected with KMT2A-related conditions. For these reasons, this variant has been classified as Pathogenic.

Literature cited by the submitters: PubMed 22795537; PubMed 25810209; PubMed 29574747.

NM_001197104.2(KMT2A):c.7888_7889del (p.Met2630fs)

Gene: KMT2A (lysine methyltransferase 2A; plus strand). Cytogenetic location: 11q23.3.
Variant type: Deletion.
Coding change: c.7888_7889del on transcript NM_001197104.2 (MANE Select); coding-DNA positions 7888 to 7889, 2 bases deleted (AT; older notation c.7888_7889delAT).
Protein change: p.Met2630fs; shifts the reading frame from methionine 2630.
Molecular consequence: frameshift variant.
Genome position (GRCh38, 1-based): chr11:118,503,780-118,503,781, AT deleted. VCF-style (leftmost placement, unchanged base first): chr11-118503779-CAT-C. GRCh37 (hg19) VCF-style: chr11-118374494-CAT-C.
Other names: c.7978_7979del, p.Met2660fs (NM_001412597.1); c.7879_7880del, p.Met2627fs (NM_005933.4); short protein forms M2630fs, M2627fs, M2660fs.
Identifiers: ClinVar variation 4716721 (VCV004716721.1).